The following is an entry in ClinVar:

NM_001323289.2(CDKL5):c.1589dup (p.Thr531fs)

Gene: CDKL5 (cyclin dependent kinase like 5; plus strand). Cytogenetic location: Xp22.13.
Variant type: Duplication.
Coding change: c.1589dup on transcript NM_001323289.2 (MANE Select); coding-DNA position 1589, one base duplicated (C; older notation c.1589dupC).
Protein change: p.Thr531fs; shifts the reading frame from threonine 531.
Molecular consequence: frameshift variant.
Genome position (GRCh38, 1-based): chrX:18,604,513, C duplicated; the last of 3 consecutive C bases (chrX:18,604,511-18,604,513); duplicating any one gives the same sequence. VCF-style (leftmost placement, unchanged base first): chrX-18604510-G-GC. GRCh37 (hg19) VCF-style: chrX-18622630-G-GC.
Other names: NM_003159.3:c.1589dup; c.1589dup, p.Thr531fs (NM_001037343.2, NM_003159.3); short protein forms T531fs.
Identifiers: ClinVar variation 3602039 (VCV003602039.1).
Genomic context (GRCh38, chrX:18,604,510, plus strand): 5'-CGGAGCCCAGTACCAGTAGGTACTTCCCATCTAGCTGCTTAGACTTGAATTCTCCCACCA[G>GC]CCCAACCCCCACCAGACACAGTGACACGAGAACTTTGCTCAGCCCTTCTGGAAGAAATAA-3'

ClinVar aggregate classification (germline): Likely pathogenic (1 of 4 stars; one submission).

Conditions:
Rett syndrome (RTT). Also called: AUTISM, DEMENTIA, ATAXIA, AND LOSS OF PURPOSEFUL HAND USE; Rett's disorder. Identifiers: Orphanet 3095, Orphanet 778, MedGen C0035372, MONDO:0010726, OMIM 312750.

Submission:

Centre for Population Genomics, CPG
Classification: Likely pathogenic for Rett syndrome. Last evaluated: 2024-12-19. Review status: criteria provided, single submitter. Criteria: McKnight et al. (Hum Mutat. 2022). Collection method: curation. Allele origin: germline. Inheritance: X-linked inheritance.
Comment: Based on the classification scheme defined by the ClinGen Rett/Angelman-like Expert Panel for Rett/AS-like Disorders Specifications to the ACMG/AMP Variant Interpretation Guidelines VCEP 3.0, this variant is classified as likely pathogenic. At least the following criteria are met: Predicted to result in loss of function, and LOF is a known mechanism of disease (PVS1). This variant is absent from gnomAD (PM2_Supporting).